The following is an entry in ClinVar:

ClinVar aggregate classification (germline): Conflicting classifications of pathogenicity. Review status: criteria provided, conflicting classifications (1 of 4 stars). 4 submissions from 4 submitters: Uncertain significance (3); Likely benign (1). Last evaluated 2026-09-14.

Conditions:
DIAPH1-related disorder. Also called: DIAPH1-related condition.
Progressive microcephaly-seizures-cortical blindness-developmental delay syndrome. Also called: Seizures, cortical blindness, and microcephaly syndrome. Identifiers: Orphanet 477814, MedGen C5567650, MONDO:0014714, OMIM 616632.
Autosomal dominant nonsyndromic hearing loss 1. Also called: KONIGSMARK SYNDROME; DEAFNESS, AUTOSOMAL DOMINANT 1, WITH OR WITHOUT THROMBOCYTOPENIA. Identifiers: Orphanet 90635, MedGen C1852282, MONDO:0007424, OMIM 124900.
Inborn genetic diseases. Identifiers: MedGen C0950123, MeSH D030342.

Allele frequency attached by ClinVar (database versions not stated): ExAC 0.00002; TOPMed 0.00005; gnomAD 0.00007.
gnomAD v4.1: 57 of 1,613,938 alleles (0.0035%); highest among the groups gnomAD compares: African/African-American, 0.013%; no homozygotes.

Submissions (4):

PreventionGenetics, part of Exact Sciences
Classification: Uncertain significance for DIAPH1-related condition. Last evaluated: 2026-09-14. Review status: criteria provided, single submitter. Criteria: ACMG Guidelines, 2015. Collection method: clinical testing. Allele origin: germline.
Comment: The DIAPH1 c.1700C>T variant is predicted to result in the amino acid substitution p.Ala567Val. To our knowledge, this variant has not been reported in the literature. This variant is reported in 0.021% of alleles in individuals of African descent in gnomAD. At this time, the clinical significance of this variant is uncertain due to the absence of conclusive functional and genetic evidence.

Labcorp Genetics (formerly Invitae), Labcorp
Classification: Uncertain significance for Progressive microcephaly-seizures-cortical blindness-developmental delay syndrome; Autosomal dominant nonsyndromic hearing loss 1. Last evaluated: 2026-01-19. Review status: criteria provided, single submitter. Criteria: Invitae Variant Classification Sherloc (09022015). Collection method: clinical testing. Allele origin: germline.
Comment: This sequence change replaces alanine, which is neutral and non-polar, with valine, which is neutral and non-polar, at codon 567 of the DIAPH1 protein (p.Ala567Val). This variant is present in population databases (rs752510907, gnomAD 0.02%). This variant has not been reported in the literature in individuals affected with DIAPH1-related conditions. ClinVar contains an entry for this variant (Variation ID: 1348140). An algorithm developed to predict the effect of missense changes on protein structure and function outputs the following: PolyPhen-2: "Not Available". The valine amino acid residue is found in multiple mammalian species, which suggests that this missense change does not adversely affect protein function. In summary, the available evidence is currently insufficient to determine the role of this variant in disease. Therefore, it has been classified as a Variant of Uncertain Significance.

Blueprint Genetics
Classification: Uncertain significance. Last evaluated: 2024-07-23. Review status: criteria provided, single submitter. Criteria: ACMG Guidelines, 2015. Collection method: clinical testing. Allele origin: germline.

Ambry Genetics
Classification: Likely benign for Inborn genetic diseases. Last evaluated: 2023-02-08. Review status: criteria provided, single submitter. Criteria: Ambry Variant Classification Scheme 2023. Collection method: clinical testing. Allele origin: germline.

NM_005219.5(DIAPH1):c.1700C>T (p.Ala567Val)

Gene: DIAPH1 (diaphanous related formin 1; minus strand). Cytogenetic location: 5q31.3.
Variant type: single nucleotide variant.
Coding change: c.1700C>T on transcript NM_005219.5 (MANE Select); coding-DNA position 1700, C replaced by T.
Protein change: p.Ala567Val; replaces alanine 567 with valine.
Molecular consequence: missense variant.
Genome position (GRCh38, 1-based): chr5:141,574,150, G>A on the plus strand (C>T on the coding strand, the complement: DIAPH1 is on the minus strand). VCF-style: chr5-141574150-G-A. GRCh37 (hg19) VCF-style: chr5-140953717-G-A.
Other names: c.1673C>T, p.Ala558Val (NM_001079812.3); c.1700C>T, p.Ala567Val (NM_001314007.2); c.1700C>T (NM_005219.4); short protein forms A558V, A567V.
Identifiers: ClinVar variation 1348140 (VCV001348140.11), dbSNP rs752510907, ClinGen allele CA3479230.